The following is an entry in ClinVar:

NM_001367561.1(DOCK7):c.5338C>T (p.Gln1780Ter)

Gene: DOCK7 (dedicator of cytokinesis 7; minus strand). Cytogenetic location: 1p31.3.
Variant type: single nucleotide variant.
Coding change: c.5338C>T on transcript NM_001367561.1 (MANE Select); coding-DNA position 5338, C replaced by T.
Protein change: p.Gln1780Ter; replaces glutamine 1780 with a stop codon.
Molecular consequence: nonsense.
Genome position (GRCh38, 1-based): chr1:62,492,727, G>A on the plus strand (C>T on the coding strand, the complement: DOCK7 is on the minus strand). VCF-style: chr1-62492727-G-A. GRCh37 (hg19) VCF-style: chr1-62958398-G-A.
Other names: c.5311C>T, p.Gln1771Ter (NM_001271999.2, NM_001330614.2); c.5218C>T, p.Gln1740Ter (NM_001272000.2, NM_001272001.2); c.5245C>T, p.Gln1749Ter (NM_033407.4); short protein forms Q1740*, Q1771*, Q1780*, Q1749*.
Identifiers: ClinVar variation 2005938 (VCV002005938.4), dbSNP rs2524027479, ClinGen allele CA340611135.

ClinVar aggregate classification (germline): Pathogenic (1 of 4 stars; one submission).

Conditions:
Developmental and epileptic encephalopathy, 23 (DEE23). Also called: Epileptic encephalopathy, early infantile, 23. Identifiers: Orphanet 411986, MedGen C4014492, MONDO:0014371, OMIM 615859.

Allele frequency attached by ClinVar (database versions not stated): gnomAD exomes below 0.00001.
gnomAD v4.1: 6 of 1,614,108 alleles (0.00037%); highest among the groups gnomAD compares: Non-Finnish European, 0.00051%; no homozygotes.

Submission:

Labcorp Genetics (formerly Invitae), Labcorp
Classification: Pathogenic for Developmental and epileptic encephalopathy, 23. Last evaluated: 2022-06-13. Review status: criteria provided, single submitter. Criteria: Invitae Variant Classification Sherloc (09022015). Collection method: clinical testing. Allele origin: germline.
Comment: For these reasons, this variant has been classified as Pathogenic. Algorithms developed to predict the effect of sequence changes on RNA splicing suggest that this variant may create or strengthen a splice site. This variant has not been reported in the literature in individuals affected with DOCK7-related conditions. This variant is not present in population databases (gnomAD no frequency). This sequence change creates a premature translational stop signal (p.Gln1771*) in the DOCK7 gene. It is expected to result in an absent or disrupted protein product. Loss-of-function variants in DOCK7 are known to be pathogenic (PMID: 24814191).

Literature cited by the submitters: PubMed 24814191.